The following is an entry in ClinVar:

ClinVar aggregate classification (germline): Likely pathogenic (0 of 4 stars; one submission).

Submission:

Department of Pathology and Laboratory Medicine, Sinai Health System
Classification: Likely pathogenic. Review status: no assertion criteria provided. Collection method: clinical testing. Allele origin: unknown. Affected: yes. Study: The Canadian Open Genetics Repository (COGR).
Comment: The ORC1 p.P231Qfs*12 variant was not identified in the literature nor was it identified in ClinVar. The variant was identified in dbSNP (ID: rs1362231446) and in control databases in 1 of 251390 chromosomes at a frequency of 0.000003978 (Genome Aggregation Database March 6, 2019, v2.1.1). The c.692delC variant is predicted to cause a frameshift, which alters the protein's amino acid sequence beginning at codon 231 and leads to a premature stop codon 12 codons downstream. This alteration is then predicted to result in a truncated or absent protein and loss of function. Loss of function variants of the ORC1 gene have been reported as a mechanism of disease in autosomal recessive Meier-Gorlin syndrome and is the type of variant expected to cause the disorder when found in the homozygous or compound heterozygous state (de Munnik_2012_PMID:22333897). In summary, based on the above information the clinical significance of this variant cannot be determined with certainty at this time although we would lean towards a more pathogenic role for this variant. This variant is classified as likely pathogenic.Â¬â€

NM_004153.4(ORC1):c.692del (p.Pro231fs)

Gene: ORC1 (origin recognition complex subunit 1; minus strand). Cytogenetic location: 1p32.3.
Variant type: Deletion.
Coding change: c.692del on transcript NM_004153.4 (MANE Select); coding-DNA position 692, one base deleted (C; older notation c.692delC).
Protein change: p.Pro231fs; shifts the reading frame from proline 231.
Molecular consequence: frameshift variant.
Genome position (GRCh38, 1-based): chr1:52,396,075, G deleted on the plus strand (C on the coding strand, the reverse complement: ORC1 is on the minus strand); the first of 4 consecutive G bases (chr1:52,396,075-52,396,078); deleting any one gives the same sequence. VCF-style (leftmost placement, unchanged base first): chr1-52396074-TG-T. GRCh37 (hg19) VCF-style: chr1-52861746-TG-T.
Other names: c.692del, p.Pro231fs (NM_001190818.2, NM_001190819.2); short protein forms P231fs.
Identifiers: ClinVar variation 1049641 (VCV001049641.1), dbSNP rs1362231446, ClinGen allele CA523272603.
Genomic context (GRCh38, chr1:52,396,074, plus strand): 5'-TATTGCCCACGGTGATCCATTCCACAACTTACTGCCAAGCTCCAGCCTCTTTCTGGCTCT[TG>T]GGGTAAGAGGATGGGTAGGAGTTTGGCGAGATTTGGAGGCGGAGTGCCTTGATTCAATCC-3'